The following is an entry in ClinVar:

NM_014000.3(VCL):c.1303C>T (p.Leu435Phe)

Gene: VCL (vinculin; plus strand). Cytogenetic location: 10q22.2.
Variant type: single nucleotide variant.
Coding change: c.1303C>T on transcript NM_014000.3 (MANE Select); coding-DNA position 1303, C replaced by T.
Protein change: p.Leu435Phe; replaces leucine 435 with phenylalanine.
Molecular consequence: missense variant.
Genome position (GRCh38, 1-based): chr10:74,090,149, C>T. VCF-style: chr10-74090149-C-T. GRCh37 (hg19) VCF-style: chr10-75849907-C-T.
Other names: c.1303C>T, p.Leu435Phe (NM_003373.4); short protein forms L435F.
Identifiers: ClinVar variation 953357 (VCV000953357.8), dbSNP rs1839856184, ClinGen allele CA377273331.

ClinVar aggregate classification (germline): Uncertain significance (1 of 4 stars; one submission).

Conditions:
Dilated cardiomyopathy 1W (CMD1W). Identifiers: Orphanet 154, MedGen C1969639, MONDO:0012667, OMIM 611407.

Allele frequency attached by ClinVar (database versions not stated): gnomAD exomes below 0.00001.
gnomAD v4.1: 2 of 1,614,198 alleles (0.00012%); highest among the groups gnomAD compares: Non-Finnish European, 0.00017%; no homozygotes.

Submission:

Labcorp Genetics (formerly Invitae), Labcorp
Classification: Uncertain significance for Dilated cardiomyopathy 1W. Last evaluated: 2019-10-27. Review status: criteria provided, single submitter. Criteria: Invitae Variant Classification Sherloc (09022015). Collection method: clinical testing. Allele origin: germline.
Comment: This sequence change replaces leucine with phenylalanine at codon 435 of the VCL protein (p.Leu435Phe). The leucine residue is moderately conserved and there is a small physicochemical difference between leucine and phenylalanine. This variant is not present in population databases (ExAC no frequency). This variant has not been reported in the literature in individuals with VCL-related conditions. Algorithms developed to predict the effect of missense changes on protein structure and function are either unavailable or do not agree on the potential impact of this missense change (SIFT: "Tolerated"; PolyPhen-2: "Possibly Damaging"; Align-GVGD: "Class C0"). In summary, the available evidence is currently insufficient to determine the role of this variant in disease. Therefore, it has been classified as a Variant of Uncertain Significance.